The following is an entry in ClinVar:

NM_000090.4(COL3A1):c.1654G>A (p.Gly552Arg)

Gene: COL3A1 (collagen type III alpha 1 chain; plus strand). Cytogenetic location: 2q32.2.
Variant type: single nucleotide variant.
Coding change: c.1654G>A on transcript NM_000090.4 (MANE Select); coding-DNA position 1654, G replaced by A.
Protein change: p.Gly552Arg; replaces glycine 552 with arginine.
Molecular consequence: missense variant.
Genome position (GRCh38, 1-based): chr2:188,996,170, G>A. VCF-style: chr2-188996170-G-A. GRCh37 (hg19) VCF-style: chr2-189860896-G-A.
Other names: short protein forms G552R.
Identifiers: ClinVar variation 847405 (VCV000847405.11), dbSNP rs1688305296, ClinGen allele CA349852509.
Genomic context (GRCh38, chr2:188,996,170, plus strand): 5'-ACTTCTTTACTTCAGGGCATGCCCGGAAGTCCAGGAGGACCAGGAAGTGATGGGAAACCA[G>A]GGCCTCCCGTATGTACATTTTTAAAATCTCATTTTAAAAGGCCAGTTAAAATGGAATGTA-3'
Protein context (NP_000081.2, residues 542-562): PGGPGSDGKP[Gly552Arg]PPGSQGESGR

ClinVar aggregate classification (germline): Pathogenic/Likely pathogenic. Review status: criteria provided, multiple submitters, no conflicts (2 of 4 stars). 2 submissions from 2 submitters: Pathogenic (1); Likely pathogenic (1). Last evaluated 2026-04-13.

Conditions:
Familial thoracic aortic aneurysm and aortic dissection (TAAD). Also called: Thoracic aortic aneurysms and dissections. Identifiers: Orphanet 91387, MedGen C4707243, MONDO:0019625.
Ehlers-Danlos syndrome, type 4 (EDSVASC). Also called: Ehlers-Danlos Syndrome Type IV; Ehlers-Danlos syndrome vascular type; Ehlers Danlos syndrome, ecchymotic type; Ehlers Danlos syndrome, arterial type; Ehlers Danlos syndrome, Sack-Barabas type. Identifiers: Orphanet 286, MedGen C0268338, MONDO:0017314, OMIM 130050.

Submissions (2):

Ambry Genetics
Classification: Likely pathogenic for Familial thoracic aortic aneurysm and aortic dissection. Last evaluated: 2026-04-13. Review status: criteria provided, single submitter. Criteria: Ambry Variant Classification Scheme 2023. Collection method: clinical testing. Allele origin: germline.
Comment: The p.G552R variant (also known as c.1654G>A), located in coding exon 23 of the COL3A1 gene, results from a G to A substitution at nucleotide position 1654. The glycine at codon 552 is replaced by arginine, an amino acid with dissimilar properties. This variant was reported in individual(s) with features consistent with COL3A1-related Ehlers-Danlos syndrome (Frank M et al. Eur J Hum Genet, 2015 Dec;23:1657-64). The majority (approximately two-thirds) ofCOL3A1mutations identified to date have involved the substitution of another amino acid for glycine within the triple-helical domain (PepinMG et al.GenetMed.2014;16(12):881-8; Frank M et al.Eur J Hum Genet. 2015;23(12):1657-64). Internal structural analysis indicates that this alteration disrupts the characteristic G-X-Y motif in theCOL3A1protein and inserts a bulky side chain into asterically-constrainedregion (Bella J et al.Science.1994;266:75-81;HohenesterE et al.Proc. Natl.Acad. Sci. U.S.A.2008;105:18273-7; Ambry internal data). This amino acid position is highly conserved in available vertebrate species. In addition, this alteration is predicted to be deleterious by in silico analysis. This variant is considered to be rare based on population cohorts in the Genome Aggregation Database (gnomAD). Based on the majority of available evidence to date, this variant is likely to be pathogenic.

Labcorp Genetics (formerly Invitae), Labcorp
Classification: Pathogenic for Ehlers-Danlos syndrome, type 4. Last evaluated: 2025-07-09. Review status: criteria provided, single submitter. Criteria: Invitae Variant Classification Sherloc (09022015). Collection method: clinical testing. Allele origin: germline.
Comment: This sequence change replaces glycine, which is neutral and non-polar, with arginine, which is basic and polar, at codon 552 of the COL3A1 protein (p.Gly552Arg). This variant is not present in population databases (gnomAD no frequency). This missense change has been observed in individuals with clinical features of Ehlers-Danlos syndrome (PMID: 25758994; internal data). ClinVar contains an entry for this variant (Variation ID: 847405). Invitae Evidence Modeling of protein sequence and biophysical properties (such as structural, functional, and spatial information, amino acid conservation, physicochemical variation, residue mobility, and thermodynamic stability) indicates that this missense variant is expected to disrupt COL3A1 protein function with a positive predictive value of 95%. This variant disrupts the triple helix domain of COL3A1. Glycine residues within the Gly-Xaa-Yaa repeats of the triple helix domain are required for the structure and stability of fibrillar collagens (PMID: 7695699, 8218237, 19344236). In COL3A1, variants that affect these glycine residues are significantly enriched in individuals with disease (PMID: 24922459, 25758994) compared to the general population (ExAC). For these reasons, this variant has been classified as Pathogenic.

Literature cited by the submitters: PubMed 25758994 (cited by Ambry Genetics and Labcorp Genetics (formerly Invitae), Labcorp); PubMed 7695699 (cited by Labcorp Genetics (formerly Invitae), Labcorp); PubMed 8218237 (cited by Labcorp Genetics (formerly Invitae), Labcorp); PubMed 19344236 (cited by Labcorp Genetics (formerly Invitae), Labcorp); PubMed 24922459 (cited by Labcorp Genetics (formerly Invitae), Labcorp).